The following is an entry in ClinVar:

ClinVar aggregate classification (germline): Uncertain significance. Review status: criteria provided, multiple submitters, no conflicts (2 of 4 stars). 2 submissions from 2 submitters: Uncertain significance (2). Last evaluated 2025-12-03.

Conditions:
Inborn genetic diseases. Identifiers: MedGen C0950123, MeSH D030342.

Allele frequency attached by ClinVar (database versions not stated): gnomAD exomes 0.00001 and 0.00003; ExAC 0.00004; TOPMed 0.00004; gnomAD 0.00005 and 0.00006; ESP Exome Variant Server 0.00008.
gnomAD v4.1: 27 of 1,613,822 alleles (0.0017%); highest among the groups gnomAD compares: African/African-American, 0.012%; no homozygotes.

Submissions (2):

Labcorp Genetics (formerly Invitae), Labcorp
Classification: Uncertain significance. Last evaluated: 2025-12-03. Review status: criteria provided, single submitter. Criteria: Invitae Variant Classification Sherloc (09022015). Collection method: clinical testing. Allele origin: germline.
Comment: This sequence change replaces threonine, which is neutral and polar, with methionine, which is neutral and non-polar, at codon 364 of the CAPN5 protein (p.Thr364Met). This variant is present in population databases (rs369083073, gnomAD 0.03%). This variant has not been reported in the literature in individuals affected with CAPN5-related conditions. ClinVar contains an entry for this variant (Variation ID: 1521398). Invitae Evidence Modeling of protein sequence and biophysical properties (such as structural, functional, and spatial information, amino acid conservation, physicochemical variation, residue mobility, and thermodynamic stability) indicates that this missense variant is not expected to disrupt CAPN5 protein function with a negative predictive value of 80%. In summary, the available evidence is currently insufficient to determine the role of this variant in disease. Therefore, it has been classified as a Variant of Uncertain Significance.

Ambry Genetics
Classification: Uncertain significance for Inborn genetic diseases. Last evaluated: 2025-09-26. Review status: criteria provided, single submitter. Criteria: Ambry Variant Classification Scheme 2023. Collection method: clinical testing. Allele origin: germline.

NM_004055.5(CAPN5):c.1091C>T (p.Thr364Met)

Gene: CAPN5 (calpain 5; plus strand). Cytogenetic location: 11q13.5.
Variant type: single nucleotide variant.
Coding change: c.1091C>T on transcript NM_004055.5 (MANE Select); coding-DNA position 1091, C replaced by T.
Protein change: p.Thr364Met; replaces threonine 364 with methionine.
Molecular consequence: missense variant.
Genome position (GRCh38, 1-based): chr11:77,118,276, C>T. VCF-style: chr11-77118276-C-T. GRCh37 (hg19) VCF-style: chr11-76829322-C-T.
Other names: c.1091C>T (NM_004055.4); short protein forms T364M.
Identifiers: ClinVar variation 1521398 (VCV001521398.8), dbSNP rs369083073, ClinGen allele CA6196683.